The following is an entry in ClinVar:

NM_001370259.2(MEN1):c.628A>C (p.Thr210Pro)

Gene: MEN1 (menin 1; minus strand). Cytogenetic location: 11q13.1.
Variant type: single nucleotide variant.
Coding change: c.628A>C on transcript NM_001370259.2 (MANE Select); coding-DNA position 628, A replaced by C.
Protein change: p.Thr210Pro; replaces threonine 210 with proline.
Molecular consequence: missense variant. On other transcripts: intron variant (5), non-coding transcript variant (4).
Genome position (GRCh38, 1-based): chr11:64,807,917, T>G on the plus strand (A>C on the coding strand, the complement: MEN1 is on the minus strand). VCF-style: chr11-64807917-T-G. GRCh37 (hg19) VCF-style: chr11-64575389-T-G.
Other names: c.549+79A>C (NM_001407151.1, NM_001370263.2, NM_001370262.2 and 2 more transcripts); c.643A>C, p.Thr215Pro (NM_000244.4, NM_001407145.1, NM_001407150.1 and 5 more transcripts); c.628A>C, p.Thr210Pro (NM_001370251.2, NM_001370260.2, NM_001370261.2 and 7 more transcripts); short protein forms T210P, T215P.
Identifiers: ClinVar variation 2700104 (VCV002700104.4), dbSNP rs2136149745, ClinGen allele CA381185370.

ClinVar aggregate classification (germline): Uncertain significance. Review status: criteria provided, multiple submitters, no conflicts (2 of 4 stars). 2 submissions from 2 submitters: Uncertain significance (2). Last evaluated 2025-01-06.

Conditions:
Hereditary cancer-predisposing syndrome. Also called: Hereditary Cancer Syndrome; Hereditary neoplastic syndrome; Neoplastic Syndromes, Hereditary; Tumor predisposition. Identifiers: Orphanet 140162, MedGen C0027672, MeSH D009386, MONDO:0015356.
Multiple endocrine neoplasia, type 1 (MEN1). Also called: MEN I; WERMER SYNDROME; Endocrine adenomatosis multiple; MEN 1; MEA I. Identifiers: Orphanet 652, MedGen C0025267, MeSH D018761, MONDO:0007540, OMIM 131100.

Submissions (2):

Ambry Genetics
Classification: Uncertain significance for Hereditary cancer-predisposing syndrome. Last evaluated: 2025-01-06. Review status: criteria provided, single submitter. Criteria: Ambry Variant Classification Scheme 2023. Collection method: clinical testing. Allele origin: germline.
Comment: The p.T210P variant (also known as c.628A>C), located in coding exon 2 of the MEN1 gene, results from an A to C substitution at nucleotide position 628. The threonine at codon 210 is replaced by proline, an amino acid with highly similar properties. This amino acid position is conserved. In addition, this alteration is predicted to be deleterious by in silico analysis. Based on the available evidence, the clinical significance of this variant remains unclear.

Labcorp Genetics (formerly Invitae), Labcorp
Classification: Uncertain significance for Multiple endocrine neoplasia, type 1. Last evaluated: 2023-06-09. Review status: criteria provided, single submitter. Criteria: Invitae Variant Classification Sherloc (09022015). Collection method: clinical testing. Allele origin: germline.
Comment: In summary, the available evidence is currently insufficient to determine the role of this variant in disease. Therefore, it has been classified as a Variant of Uncertain Significance. Advanced modeling of protein sequence and biophysical properties (such as structural, functional, and spatial information, amino acid conservation, physicochemical variation, residue mobility, and thermodynamic stability) has been performed at Invitae for this missense variant, however the output from this modeling did not meet the statistical confidence thresholds required to predict the impact of this variant on MEN1 protein function. This variant has not been reported in the literature in individuals affected with MEN1-related conditions. This variant is not present in population databases (gnomAD no frequency). This sequence change replaces threonine, which is neutral and polar, with proline, which is neutral and non-polar, at codon 210 of the MEN1 protein (p.Thr210Pro).